The following is an entry in ClinVar:

ClinVar aggregate classification (germline): Uncertain significance (1 of 4 stars; one submission).

Conditions:
Dyskeratosis congenita, X-linked (DKCX). Also called: Zinsser-Cole-Engman Syndrome. Identifiers: MedGen C1148551, MONDO:0010584, OMIM 305000.

Submission:

Neuberg Centre For Genomic Medicine, NCGM
Classification: Uncertain significance for Dyskeratosis congenita, X-linked. Last evaluated: 2024-02-01. Review status: criteria provided, single submitter. Criteria: ACMG Guidelines, 2015. Collection method: clinical testing. Allele origin: germline. Inheritance: X-linked recessive inheritance.
Comment: The missense variant c.1376C>T(p.Pro459Leu) in DKC1 gene has not been reported previously as a pathogenic variant nor as a benign variant, to our knowledge The amino acid Pro at position 459 is changed to a Leu changing protein sequence and it might alter its composition and physico-chemical properties. For these reasons, this variant has been classified as Uncertain Significance.

NM_001363.5(DKC1):c.1376C>T (p.Pro459Leu)

Gene: DKC1 (dyskerin pseudouridine synthase 1; plus strand). Cytogenetic location: Xq28.
Variant type: single nucleotide variant.
Coding change: c.1376C>T on transcript NM_001363.5 (MANE Select); coding-DNA position 1376, C replaced by T.
Protein change: p.Pro459Leu; replaces proline 459 with leucine.
Molecular consequence: missense variant. On other transcripts: 3 prime UTR variant (1), non-coding transcript variant (3).
Genome position (GRCh38, 1-based): chrX:154,776,224, C>T. VCF-style: chrX-154776224-C-T. GRCh37 (hg19) VCF-style: chrX-154004499-C-T.
Other names: c.1361C>T, p.Pro454Leu (NM_001142463.3); c.*602C>T (NM_001288747.2); short protein forms P454L, P459L.
Identifiers: ClinVar variation 3898044 (VCV003898044.1).